The following is an entry in ClinVar:

ClinVar aggregate classification (germline): Conflicting classifications of pathogenicity. Review status: criteria provided, conflicting classifications (1 of 4 stars). 11 submissions from 9 submitters: Uncertain significance (2); Benign (3); Likely benign (3). 3 of the submissions do not count toward it. Last evaluated 2026-07-01.

Conditions:
Retinitis pigmentosa 12 (RP12). Also called: RP WITH OR WITHOUT PPRPE; RP WITH OR WITHOUT PRESERVED PARAARTERIOLE RETINAL PIGMENT EPITHELIUM; RETINITIS PIGMENTOSA WITH OR WITHOUT PARAARTERIOLAR PRESERVATION OF RETINAL PIGMENT EPITHELIUM. Identifiers: Orphanet 791, MedGen C1838647, MONDO:0010818, OMIM 600105.
Leber congenital amaurosis 8 (LCA8). Identifiers: Orphanet 65, MedGen C3151202, MONDO:0013453, OMIM 613835.
Leber congenital amaurosis (LCA). Also called: Leber's amaurosis. Identifiers: Orphanet 65, MedGen C0339527, MeSH D057130, MONDO:0018998.
Pigmented paravenous retinochoroidal atrophy. Identifiers: Orphanet 251295, MedGen C1868310, MONDO:0008246, OMIM 172870.
Retinitis pigmentosa (RP). Identifiers: Orphanet 791, MedGen C0035334, MeSH D012174, MONDO:0019200, OMIM 268000. Inheritance: Autosomal dominant, autosomal recessive and X linked inheritance.

Allele frequency attached by ClinVar (database versions not stated): 1000 Genomes Project 0.00120; 1000 Genomes Project 30x 0.00141; gnomAD 0.00143 and 0.00151; ESP Exome Variant Server 0.00169; TOPMed 0.00181.
gnomAD v4.1: 3,023 of 1,613,868 alleles (0.19%); highest among the groups gnomAD compares: Admixed American, 0.35%; 10 homozygotes.

Submissions (11):

CeGaT Center for Human Genetics Tuebingen
Classification: Likely benign. Last evaluated: 2026-07-01. Review status: criteria provided, single submitter. Criteria: CeGaT Center For Human Genetics Tuebingen Variant Classification Criteria Version 2. Collection method: clinical testing. Allele origin: germline. Affected: yes. Observed: 3 variant alleles.
Comment: CRB1: BP4, BP7

Labcorp Genetics (formerly Invitae), Labcorp
Classification: Benign for Leber congenital amaurosis 8; Retinitis pigmentosa 12. Last evaluated: 2026-02-02. Review status: criteria provided, single submitter. Criteria: Invitae Variant Classification Sherloc (09022015). Collection method: clinical testing. Allele origin: germline.

Blueprint Genetics
Classification: Likely benign. Last evaluated: 2024-11-11. Review status: criteria provided, single submitter. Criteria: ACMG Guidelines, 2015. Collection method: clinical testing. Allele origin: germline.

Pars Genome Lab
Classification: Likely benign for Leber congenital amaurosis 8. Last evaluated: 2021-05-18. Review status: criteria provided, single submitter. Criteria: ACMG Guidelines, 2015. Collection method: clinical testing. Allele origin: germline. Affected: no.

Illumina Laboratory Services, Illumina
Classification: Uncertain significance for Retinitis pigmentosa. Last evaluated: 2018-01-13. Review status: criteria provided, single submitter. Criteria: ICSL Variant Classification Criteria 13 December 2019. Collection method: clinical testing. Allele origin: germline.

Illumina Laboratory Services, Illumina
Classification: Uncertain significance for Leber congenital amaurosis 8. Last evaluated: 2018-01-13. Review status: criteria provided, single submitter. Criteria: ICSL Variant Classification Criteria 13 December 2019. Collection method: clinical testing. Allele origin: germline.

Illumina Laboratory Services, Illumina
Classification: Benign for Pigmented paravenous retinochoroidal atrophy. Last evaluated: 2018-01-13. Review status: criteria provided, single submitter. Criteria: ICSL Variant Classification Criteria 13 December 2019. Collection method: clinical testing. Allele origin: germline.
Comment: This variant was observed in the ICSL laboratory as part of a predisposition screen in an ostensibly healthy population. It had not been previously curated by ICSL or reported in the Human Gene Mutation Database (HGMD: prior to June 1st, 2018), and was therefore a candidate for classification through an automated scoring system. Utilizing variant allele frequency, disease prevalence and penetrance estimates, and inheritance mode, an automated score was calculated to assess if this variant is too frequent to cause the disease. Based on the score and internal cut-off values, a variant classified as benign is not then subjected to further curation. The score for this variant resulted in a classification of benign for this disease.

GeneDx
Classification: Benign. Last evaluated: 2015-03-12. Review status: criteria provided, single submitter. Criteria: GeneDx Variant Classification (06012015). Collection method: clinical testing. Allele origin: germline. Affected: yes.
Comment: This variant is considered likely benign or benign based on one or more of the following criteria: it is a conservative change, it occurs at a poorly conserved position in the protein, it is predicted to be benign by multiple in silico algorithms, and/or has population frequency not consistent with disease.

Natera, Inc.
Classification: Likely benign for Leber congenital amaurosis. Last evaluated: 2019-12-16. Review status: no assertion criteria provided. Collection method: clinical testing. Allele origin: germline. Not counted in ClinVar's aggregate classification.

Clinical Genetics DNA and cytogenetics Diagnostics Lab, Erasmus MC, Erasmus Medical Center
Classification: Likely benign. Review status: no assertion criteria provided. Collection method: clinical testing. Allele origin: germline. Affected: yes. Study: VKGL Data-share Consensus. Not counted in ClinVar's aggregate classification.

Clinical Genetics, Academic Medical Center
Classification: Likely benign. Review status: no assertion criteria provided. Collection method: clinical testing. Allele origin: germline. Affected: yes. Study: VKGL Data-share Consensus. Not counted in ClinVar's aggregate classification.

NM_201253.3(CRB1):c.2307C>T (p.Arg769=)

Gene: CRB1 (crumbs cell polarity complex component 1; plus strand). Cytogenetic location: 1q31.3.
Variant type: single nucleotide variant.
Coding change: c.2307C>T on transcript NM_201253.3 (MANE Select); coding-DNA position 2307, C replaced by T.
Protein change: p.Arg769=; no amino-acid change (arginine 769 retained).
Molecular consequence: synonymous variant. On other transcripts: non-coding transcript variant (2), intron variant (1).
Genome position (GRCh38, 1-based): chr1:197,427,632, C>T. VCF-style: chr1-197427632-C-T. GRCh37 (hg19) VCF-style: chr1-197396762-C-T.
Other names: c.1971C>T, p.Arg657= (NM_001193640.2); c.2100C>T, p.Arg700= (NM_001257965.2); c.2128+5676C>T (NM_001257966.2).
Identifiers: ClinVar variation 294677 (VCV000294677.51), dbSNP rs151104285, ClinGen allele CA1312096.